The following is an entry in ClinVar:

ClinVar aggregate classification (germline): Conflicting classifications of pathogenicity. Review status: criteria provided, conflicting classifications (1 of 4 stars). 2 submissions from 2 submitters: Uncertain significance (1); Likely benign (1). Last evaluated 2024-09-20.

Conditions:
Dystonia 34, myoclonic (DYT34). Identifiers: MedGen C5676907, MONDO:0030538, OMIM 619724.
Neurodevelopmental disorder with or without variable movement or behavioral abnormalities (NEDMAB). Identifiers: MedGen C5676908, MONDO:0859225, OMIM 619725.
KCNN2-related disorder. Also called: KCNN2-related condition; KCNN2-Related Disorders.

Submissions (2):

3billion
Classification: Likely benign for Neurodevelopmental disorder with or without variable movement or behavioral abnormalities; Dystonia 34, myoclonic. Last evaluated: 2024-09-20. Review status: criteria provided, single submitter. Criteria: ACMG Guidelines, 2015. Collection method: clinical testing. Allele origin: germline. Affected: no.
Comment: The variant was identified in at least one patient who was diagnosed with a different variant in another gene and showed no symptoms related to the gene containing the variant in question.

PreventionGenetics, part of Exact Sciences
Classification: Uncertain significance for KCNN2-related condition. Last evaluated: 2023-08-10. Review status: criteria provided, single submitter. Criteria: ACMG Guidelines, 2015. Collection method: clinical testing. Allele origin: germline.
Comment: The KCNN2 c.1708A>G variant is predicted to result in the amino acid substitution p.Thr570Ala. To our knowledge, this variant has not been reported in the literature or in a large population database, indicating this variant is rare. At this time, the clinical significance of this variant is uncertain due to the absence of conclusive functional and genetic evidence.

NM_021614.4(KCNN2):c.2344A>G (p.Thr782Ala)

Genes: KCNN2 (potassium calcium-activated channel subfamily N member 2; plus strand), LOC101927078 (uncharacterized LOC101927078; minus strand). Cytogenetic location: 5q22.3.
Variant type: single nucleotide variant.
Coding change: c.2344A>G on transcript NM_021614.4 (MANE Select); coding-DNA position 2344, A replaced by G.
Protein change: p.Thr782Ala; replaces threonine 782 with alanine.
Molecular consequence: missense variant. On other transcripts: non-coding transcript variant (3).
Genome position (GRCh38, 1-based): chr5:114,496,150, A>G. VCF-style: chr5-114496150-A-G. GRCh37 (hg19) VCF-style: chr5-113831847-A-G.
Other names: c.2542A>G, p.Thr848Ala (NM_001372233.1); c.664A>G, p.Thr222Ala (NM_170775.3); short protein forms T222A, T782A, T848A.
Identifiers: ClinVar variation 2631563 (VCV002631563.2), dbSNP rs1335410914, ClinGen allele CA360706858.